The following is an entry in ClinVar:

NM_144687.4(NLRP12):c.1955T>G (p.Phe652Cys)

Gene: NLRP12 (NLR family pyrin domain containing 12; minus strand). Cytogenetic location: 19q13.42.
Variant type: single nucleotide variant.
Coding change: c.1955T>G on transcript NM_144687.4 (MANE Select); coding-DNA position 1955, T replaced by G.
Protein change: p.Phe652Cys; replaces phenylalanine 652 with cysteine.
Molecular consequence: missense variant.
Genome position (GRCh38, 1-based): chr19:53,809,704, A>C on the plus strand (T>G on the coding strand, the complement: NLRP12 is on the minus strand). VCF-style: chr19-53809704-A-C. GRCh37 (hg19) VCF-style: chr19-54312958-A-C.
Other names: c.1955T>G, p.Phe652Cys (NM_001277126.2, NM_001277129.1); short protein forms F652C.
Identifiers: ClinVar variation 4744715 (VCV004744715.1).
Genomic context (GRCh38, chr19:53,809,704, plus strand): 5'-GCGCTGTAGGTGGCGCCATACAAGTGCAGCACCTGGGCGCTCCTGCAGCGCTTCAGACAG[A>C]ACGAGGAGACCATGTGCTCCATCTTGGAGGCAATGTTGCTGACCACGATCACCTGGAAGT-3'
Protein context (NP_653288.1, residues 642-662): ASKMEHMVSS[Phe652Cys]CLKRCRSAQV

ClinVar aggregate classification (germline): Uncertain significance (1 of 4 stars; one submission).

Conditions:
Familial cold autoinflammatory syndrome 2 (FCAS2). Identifiers: Orphanet 247868, MedGen C2673198, MONDO:0012724, OMIM 611762.

Submission:

Labcorp Genetics (formerly Invitae), Labcorp
Classification: Uncertain significance for Familial cold autoinflammatory syndrome 2. Last evaluated: 2025-05-11. Review status: criteria provided, single submitter. Criteria: Invitae Variant Classification Sherloc (09022015). Collection method: clinical testing. Allele origin: germline.
Comment: This sequence change replaces phenylalanine, which is neutral and non-polar, with cysteine, which is neutral and slightly polar, at codon 652 of the NLRP12 protein (p.Phe652Cys). This variant is not present in population databases (gnomAD no frequency). This variant has not been reported in the literature in individuals affected with NLRP12-related conditions. Invitae Evidence Modeling of protein sequence and biophysical properties (such as structural, functional, and spatial information, amino acid conservation, physicochemical variation, residue mobility, and thermodynamic stability) indicates that this missense variant is expected to disrupt NLRP12 protein function with a positive predictive value of 80%. In summary, the available evidence is currently insufficient to determine the role of this variant in disease. Therefore, it has been classified as a Variant of Uncertain Significance.